The following is an entry in ClinVar:

NM_004637.6(RAB7A):c.400-179A>G

Gene: RAB7A (RAB7A, member RAS oncogene family; plus strand). Cytogenetic location: 3q21.3.
Variant type: single nucleotide variant.
Coding change: c.400-179A>G on transcript NM_004637.6 (MANE Select); 179 bases into the intron before coding-DNA position 400, A replaced by G.
Molecular consequence: intron variant.
Genome position (GRCh38, 1-based): chr3:128,807,364, A>G. VCF-style: chr3-128807364-A-G. GRCh37 (hg19) VCF-style: chr3-128526207-A-G.
Identifiers: ClinVar variation 674518 (VCV000674518.2), dbSNP rs41266497, ClinGen allele CA11482378.

ClinVar aggregate classification (germline): Benign. Review status: criteria provided, multiple submitters, no conflicts (2 of 4 stars). 2 submissions from 2 submitters: Benign (2). Last evaluated 2018-06-19.

Allele frequency attached by ClinVar (database versions not stated): 1000 Genomes Project 0.01937; 1000 Genomes Project 30x 0.02030; TOPMed 0.04029; gnomAD 0.04125 and 0.04276.
gnomAD v4.1: 6,323 of 152,272 alleles (4.2%); highest among the groups gnomAD compares: Non-Finnish European, 5.8%; 181 homozygotes.

Submissions (2):

GeneDx
Classification: Benign. Last evaluated: 2018-06-19. Review status: criteria provided, single submitter. Criteria: GeneDx Variant Classification (06012015). Collection method: clinical testing. Allele origin: germline. Affected: yes.
Comment: This variant is considered likely benign or benign based on one or more of the following criteria: it is a conservative change, it occurs at a poorly conserved position in the protein, it is predicted to be benign by multiple in silico algorithms, and/or has population frequency not consistent with disease.

Breakthrough Genomics
Classification: Benign. Review status: criteria provided, single submitter. Criteria: ACMG Guidelines, 2015. Collection method: not provided. Allele origin: germline. Inheritance: Autosomal dominant inheritance. Affected: yes.